The following is an entry in ClinVar:

ClinVar aggregate classification (germline): Uncertain significance (0 of 4 stars; one submission).

Conditions:
TMPO-related disorder. Also called: TMPO-related condition.

gnomAD v4.1: 10 of 1,613,942 alleles (0.00062%); highest among the groups gnomAD compares: African/African-American, 0.0093%; no homozygotes.

Submission:

PreventionGenetics, part of Exact Sciences
Classification: Uncertain significance for TMPO-related condition. Last evaluated: 2024-08-15. Review status: no assertion criteria provided. Collection method: clinical testing. Allele origin: germline.
Comment: The TMPO c.725C>T variant is predicted to result in the amino acid substitution p.Pro242Leu. To our knowledge, this variant has not been reported in the literature or in a large population database, indicating this variant is rare. At this time, the clinical significance of this variant is uncertain due to the absence of conclusive functional and genetic evidence.

NM_001032283.3(TMPO):c.725C>T (p.Pro242Leu)

Gene: TMPO (thymopoietin; plus strand). Cytogenetic location: 12q23.1.
Variant type: single nucleotide variant.
Coding change: c.725C>T on transcript NM_001032283.3 (MANE Select); coding-DNA position 725, C replaced by T.
Protein change: p.Pro242Leu; replaces proline 242 with leucine.
Molecular consequence: missense variant. On other transcripts: intron variant (2).
Genome position (GRCh38, 1-based): chr12:98,544,291, C>T. VCF-style: chr12-98544291-C-T. GRCh37 (hg19) VCF-style: chr12-98938069-C-T.
Other names: c.664-151C>T (NM_001307975.2); c.664-2068C>T (NM_001032284.3); short protein forms P242L.
Identifiers: ClinVar variation 3351017 (VCV003351017.1).